The following is an entry in ClinVar:

NM_013382.7(POMT2):c.*75C>T

Gene: POMT2 (protein O-mannosyltransferase 2; minus strand). Cytogenetic location: 14q24.3.
Variant type: single nucleotide variant.
Coding change: c.*75C>T on transcript NM_013382.7 (MANE Select); 75 bases downstream of the stop codon, C replaced by T.
Molecular consequence: 3 prime UTR variant.
Genome position (GRCh38, 1-based): chr14:77,277,301, G>A on the plus strand (C>T on the coding strand, the complement: POMT2 is on the minus strand). VCF-style: chr14-77277301-G-A. GRCh37 (hg19) VCF-style: chr14-77743644-G-A.
Identifiers: ClinVar variation 314552 (VCV000314552.9), dbSNP rs1055592, ClinGen allele CA10646320.

ClinVar aggregate classification (germline): Benign. Review status: criteria provided, multiple submitters, no conflicts (2 of 4 stars). 3 submissions from 3 submitters: Benign (3). Last evaluated 2018-06-19.

Conditions:
Autosomal recessive limb-girdle muscular dystrophy type 2N. Also called: MUSCULAR DYSTROPHY-DYSTROGLYCANOPATHY, LIMB-GIRDLE, POMT2-RELATED; Muscular dystrophy-dystroglycanopathy (limb-girdle), type C, 2. Identifiers: Orphanet 206559, MedGen C3150418, MONDO:0013162, OMIM 613158.

Allele frequency attached by ClinVar (database versions not stated): gnomAD 0.20469 and 0.21025; TOPMed 0.21963; 1000 Genomes Project 30x 0.26577; 1000 Genomes Project 0.26857.
gnomAD v4.1: 290,819 of 1,299,554 alleles (22%); highest among the groups gnomAD compares: East Asian, 45%; 35,380 homozygotes.

Submissions (3):

GeneDx
Classification: Benign. Last evaluated: 2018-06-19. Review status: criteria provided, single submitter. Criteria: GeneDx Variant Classification Process June 2021. Collection method: clinical testing. Allele origin: germline. Affected: yes.

Illumina Laboratory Services, Illumina
Classification: Benign for Autosomal recessive limb-girdle muscular dystrophy type 2N. Last evaluated: 2018-01-12. Review status: criteria provided, single submitter. Criteria: ICSL Variant Classification Criteria 13 December 2019. Collection method: clinical testing. Allele origin: germline.
Comment: This variant was observed in the ICSL laboratory as part of a predisposition screen in an ostensibly healthy population. It had not been previously curated by ICSL or reported in the Human Gene Mutation Database (HGMD: prior to June 1st, 2018), and was therefore a candidate for classification through an automated scoring system. Utilizing variant allele frequency, disease prevalence and penetrance estimates, and inheritance mode, an automated score was calculated to assess if this variant is too frequent to cause the disease. Based on the score and internal cut-off values, a variant classified as benign is not then subjected to further curation. The score for this variant resulted in a classification of benign for this disease.

Breakthrough Genomics
Classification: Benign. Review status: criteria provided, single submitter. Criteria: ACMG Guidelines, 2015. Collection method: not provided. Allele origin: germline. Inheritance: Autosomal recessive inheritance. Affected: yes.